The following is an entry in ClinVar:

NM_000059.4(BRCA2):c.3693T>C (p.Thr1231=)

Gene: BRCA2 (BRCA2 DNA repair associated; plus strand). Cytogenetic location: 13q13.1.
Variant type: single nucleotide variant.
Coding change: c.3693T>C on transcript NM_000059.4 (MANE Select); coding-DNA position 3693, T replaced by C.
Protein change: p.Thr1231=; no amino-acid change (threonine 1231 retained).
Molecular consequence: synonymous variant.
Genome position (GRCh38, 1-based): chr13:32,338,048, T>C. VCF-style: chr13-32338048-T-C. GRCh37 (hg19) VCF-style: chr13-32912185-T-C.
Identifiers: ClinVar variation 220558 (VCV000220558.29), dbSNP rs751232859, ClinGen allele CA348144.

ClinVar aggregate classification (germline): Likely benign. Review status: reviewed by expert panel (3 of 4 stars). 10 submissions from 10 submitters: Likely benign (1). 9 of the submissions do not count toward it. Last evaluated 2017-06-29.

Conditions:
BRCA2-related cancer predisposition. Identifiers: MedGen CN377758, MONDO:0700269.
Hereditary cancer-predisposing syndrome. Also called: Tumor predisposition; Hereditary neoplastic syndrome; Neoplastic Syndromes, Hereditary; Hereditary Cancer Syndrome. Identifiers: Orphanet 140162, MedGen C0027672, MeSH D009386, MONDO:0015356.
Familial cancer of breast. Also called: hereditary breast carcinoma; Hereditary breast cancer; BREAST CANCER, FAMILIAL. Identifiers: Orphanet 227535, MedGen C0346153, MONDO:0016419, OMIM 114480. Disease mechanism: loss of function.
Breast-ovarian cancer, familial, susceptibility to, 2 (BROVCA2). Also called: BRCA2 Hereditary Breast and Ovarian Cancer. Identifiers: Orphanet 145, MedGen C2675520, MONDO:0012933, OMIM 612555. Disease mechanism: loss of function.
Hereditary breast ovarian cancer syndrome. Also called: Hereditary breast and ovarian cancer; BRCA1- and BRCA2-Associated Hereditary Breast and Ovarian Cancer; Hereditary breast and/or ovarian cancer syndrome; Hereditary breast and ovarian cancer syndrome; Hereditary breast and ovarian cancer syndrome (HBOC); Breast and ovarian cancer. Identifiers: Orphanet 145, MedGen C0677776, MeSH D061325, MONDO:0003582. Disease mechanism: loss of function.

Allele frequency attached by ClinVar (database versions not stated): gnomAD exomes below 0.00001; TOPMed below 0.00001; ExAC 0.00001; gnomAD 0.00001.
gnomAD v4.1: 4 of 1,611,652 alleles (0.00025%); highest among the groups gnomAD compares: Admixed American, 0.0017%; no homozygotes.

Submissions (10):

Evidence-based Network for the Interpretation of Germline Mutant Alleles (ENIGMA)
Classification: Likely benign for Breast-ovarian cancer, familial, susceptibility to, 2. Last evaluated: 2017-06-29. Review status: reviewed by expert panel. Criteria: ENIGMA BRCA1/2 Classification Criteria (2017-06-29). Collection method: curation. Allele origin: germline.
Comment: Synonymous substitution variant, with low bioinformatic likelihood to result in a splicing aberration (Splicing prior probability 0.02).

Labcorp Genetics (formerly Invitae), Labcorp
Classification: Likely benign for Hereditary breast ovarian cancer syndrome. Last evaluated: 2026-01-01. Review status: criteria provided, single submitter. Criteria: Invitae Variant Classification Sherloc (09022015). Collection method: clinical testing. Allele origin: germline. Not counted in ClinVar's aggregate classification.

Molecular Diagnostics Laboratory, Catalan Institute of Oncology
Classification: Likely benign for Hereditary cancer-predisposing syndrome. Last evaluated: 2024-12-02. Review status: criteria provided, single submitter. Criteria: ACMG Guidelines, 2015. Collection method: clinical testing. Allele origin: germline. Not counted in ClinVar's aggregate classification.
Comment: PM2_Supporting, BP1_Strong c.3693T>C, located in exon 11 of the BRCA2 gene, is predicted to result in no amino acid change, p.(Thr1231=). This position is outside a (potentially) clinically important functional domain and, moreover, the SpliceAI algorithm predicts no significant impact on splicing (BP1_strong). It is not present in the population database gnomAD v2.1.1, non cancer dataset (PM2_supporting). To our knowledge, neither relevant clinical data nor well-stablished functional studies have been reported for this variant. This variant has been reported in the ClinVar database (2x benign, 5x likely benign), but not in the LOVD database. In the BRCA Exchange database it has been reported as a likely benign variant (Synonymous substitution variant, with low bioinformatic likelihood to result in a splicing aberration (Splicing prior probability 0.02). Based on currently available information, the variant c.3693T>C should be considered a likely benign variant.

All of Us Research Program, National Institutes of Health
Classification: Likely benign for BRCA2-related cancer predisposition. Last evaluated: 2024-05-30. Review status: criteria provided, single submitter. Criteria: ACMG Guidelines, 2015. Collection method: clinical testing. Allele origin: germline. Inheritance: Autosomal dominant inheritance. Observed: 4 variant alleles, 4 heterozygotes. Not counted in ClinVar's aggregate classification.
Comment: This study involves interpretation of variants in research participants for the purpose of population health screening. Participant phenotype was not available at the time of variant classification. Additional details can be found in publication PMID: 35346344, PMCID: PMC8962531

Quest Diagnostics Nichols Institute San Juan Capistrano
Classification: Likely benign. Last evaluated: 2023-03-21. Review status: criteria provided, single submitter. Criteria: Quest Diagnostics criteria. Collection method: clinical testing. Allele origin: unknown. Not counted in ClinVar's aggregate classification.

Department of Pathology and Laboratory Medicine, Sinai Health System
Classification: Likely benign for Familial cancer of breast; Breast-ovarian cancer, familial, susceptibility to, 2. Last evaluated: 2023-02-09. Review status: criteria provided, single submitter. Criteria: ACMG Guidelines, 2015. Collection method: clinical testing. Allele origin: germline. Affected: yes. Not counted in ClinVar's aggregate classification.

Women's Health and Genetics/Laboratory Corporation of America, LabCorp
Classification: Likely benign. Last evaluated: 2020-06-13. Review status: criteria provided, single submitter. Criteria: LabCorp Variant Classification Summary - May 2015. Collection method: clinical testing. Allele origin: germline. Not counted in ClinVar's aggregate classification.

Color Diagnostics, LLC DBA Color Health
Classification: Likely benign for Hereditary cancer-predisposing syndrome. Last evaluated: 2017-03-20. Review status: criteria provided, single submitter. Criteria: ACMG Guidelines, 2015. Collection method: clinical testing. Allele origin: germline. Not counted in ClinVar's aggregate classification.

Ambry Genetics
Classification: Likely benign for Hereditary cancer-predisposing syndrome. Last evaluated: 2015-07-14. Review status: criteria provided, single submitter. Criteria: Ambry Variant Classification Scheme 2023. Collection method: clinical testing. Allele origin: germline. Not counted in ClinVar's aggregate classification.

GeneDx
Classification: Benign. Last evaluated: 2015-03-03. Review status: criteria provided, single submitter. Criteria: GeneDx Variant Classification Process June 2021. Collection method: clinical testing. Allele origin: germline. Affected: yes. Not counted in ClinVar's aggregate classification.